The following is an entry in ClinVar:

ClinVar aggregate classification (germline): Uncertain significance. Review status: criteria provided, multiple submitters, no conflicts (2 of 4 stars). 2 submissions from 2 submitters: Uncertain significance (2). Last evaluated 2025-12-19.

Allele frequency attached by ClinVar (database versions not stated): ExAC 0.00002; ESP Exome Variant Server 0.00008; gnomAD exomes 0.00005; gnomAD 0.00002; TOPMed 0.00002.
gnomAD v4.1: 73 of 1,613,636 alleles (0.0045%); highest among the groups gnomAD compares: Non-Finnish European, 0.0061%; no homozygotes.

Submissions (2):

Labcorp Genetics (formerly Invitae), Labcorp
Classification: Uncertain significance. Last evaluated: 2025-12-19. Review status: criteria provided, single submitter. Criteria: Invitae Variant Classification Sherloc (09022015). Collection method: clinical testing. Allele origin: germline.
Comment: This sequence change replaces tryptophan, which is neutral and slightly polar, with leucine, which is neutral and non-polar, at codon 2708 of the HMCN1 protein (p.Trp2708Leu). This variant is present in population databases (rs148251434, gnomAD 0.005%). This variant has not been reported in the literature in individuals affected with HMCN1-related conditions. ClinVar contains an entry for this variant (Variation ID: 2382316). An algorithm developed to predict the effect of missense changes on protein structure and function (PolyPhen-2) suggests that this variant is likely to be disruptive. In summary, the available evidence is currently insufficient to determine the role of this variant in disease. Therefore, it has been classified as a Variant of Uncertain Significance.

Ambry Genetics
Classification: Uncertain significance. Last evaluated: 2022-03-16. Review status: criteria provided, single submitter. Criteria: Ambry Variant Classification Scheme 2023. Collection method: clinical testing. Allele origin: germline.

NM_031935.3(HMCN1):c.8123G>T (p.Trp2708Leu)

Gene: HMCN1 (hemicentin 1; plus strand). Cytogenetic location: 1q31.1.
Variant type: single nucleotide variant.
Coding change: c.8123G>T on transcript NM_031935.3 (MANE Select); coding-DNA position 8123, G replaced by T.
Protein change: p.Trp2708Leu; replaces tryptophan 2708 with leucine.
Molecular consequence: missense variant.
Genome position (GRCh38, 1-based): chr1:186,070,741, G>T. VCF-style: chr1-186070741-G-T. GRCh37 (hg19) VCF-style: chr1-186039873-G-T.
Other names: short protein forms W2708L.
Identifiers: ClinVar variation 2382316 (VCV002382316.4), dbSNP rs148251434, ClinGen allele CA1293028.